The following is an entry in ClinVar:

NM_024675.4(PALB2):c.2278C>A (p.Leu760Ile)

Gene: PALB2 (partner and localizer of BRCA2; minus strand). Cytogenetic location: 16p12.2.
Variant type: single nucleotide variant.
Coding change: c.2278C>A on transcript NM_024675.4 (MANE Select); coding-DNA position 2278, C replaced by A.
Protein change: p.Leu760Ile; replaces leucine 760 with isoleucine.
Molecular consequence: missense variant.
Genome position (GRCh38, 1-based): chr16:23,629,876, G>T on the plus strand (C>A on the coding strand, the complement: PALB2 is on the minus strand). VCF-style: chr16-23629876-G-T. GRCh37 (hg19) VCF-style: chr16-23641197-G-T.
Other names: short protein forms L760I.
Identifiers: ClinVar variation 921077 (VCV000921077.16), dbSNP rs769634658, ClinGen allele CA7963601.

ClinVar aggregate classification (germline): Conflicting classifications of pathogenicity. Review status: criteria provided, conflicting classifications (1 of 4 stars). 4 submissions from 4 submitters: Uncertain significance (3); Likely benign (1). Last evaluated 2025-08-14.

Conditions:
Familial cancer of breast. Also called: Hereditary breast cancer; BREAST CANCER, FAMILIAL; hereditary breast carcinoma. Identifiers: Orphanet 227535, MedGen C0346153, MONDO:0016419, OMIM 114480. Disease mechanism: loss of function.
Hereditary cancer-predisposing syndrome. Also called: Tumor predisposition; Neoplastic Syndromes, Hereditary; Hereditary neoplastic syndrome; Hereditary Cancer Syndrome. Identifiers: Orphanet 140162, MedGen C0027672, MeSH D009386, MONDO:0015356.

Allele frequency attached by ClinVar (database versions not stated): ExAC 0.00002; gnomAD exomes 0.00002.
gnomAD v4.1: 11 of 1,614,206 alleles (0.00068%); highest among the groups gnomAD compares: Non-Finnish European, 0.00068%; no homozygotes.

Submissions (4):

Color Diagnostics, LLC DBA Color Health
Classification: Uncertain significance for Hereditary cancer-predisposing syndrome. Last evaluated: 2025-08-14. Review status: criteria provided, single submitter. Criteria: ACMG Guidelines, 2015. Collection method: clinical testing. Allele origin: germline.
Comment: This missense variant replaces leucine with isoleucine at codon 760 of the PALB2 protein. Computational prediction suggests that this variant may not impact protein structure and function. To our knowledge, functional studies have not been reported for this variant. This variant has been detected in a breast cancer case-control meta-analysis in 2/60466 cases and 1/53461 unaffected individuals (PMID: 33471991Leiden Open Variation Database DB-ID PALB2_010915). This variant has been identified in 5/251490 chromosomes in the general population by the Genome Aggregation Database (gnomAD). The available evidence is insufficient to determine the role of this variant in disease conclusively. Therefore, this variant is classified as a Variant of Uncertain Significance.

Ambry Genetics
Classification: Likely benign for Hereditary cancer-predisposing syndrome. Last evaluated: 2025-04-30. Review status: criteria provided, single submitter. Criteria: Ambry Variant Classification Scheme 2023. Collection method: clinical testing. Allele origin: germline.

Labcorp Genetics (formerly Invitae), Labcorp
Classification: Uncertain significance for Familial cancer of breast. Last evaluated: 2024-11-18. Review status: criteria provided, single submitter. Criteria: Invitae Variant Classification Sherloc (09022015). Collection method: clinical testing. Allele origin: germline.
Comment: This sequence change replaces leucine, which is neutral and non-polar, with isoleucine, which is neutral and non-polar, at codon 760 of the PALB2 protein (p.Leu760Ile). This variant is present in population databases (rs769634658, gnomAD 0.004%). This variant has not been reported in the literature in individuals affected with PALB2-related conditions. ClinVar contains an entry for this variant (Variation ID: 921077). Invitae Evidence Modeling of protein sequence and biophysical properties (such as structural, functional, and spatial information, amino acid conservation, physicochemical variation, residue mobility, and thermodynamic stability) has been performed for this missense variant. However, the output from this modeling did not meet the statistical confidence thresholds required to predict the impact of this variant on PALB2 protein function. In summary, the available evidence is currently insufficient to determine the role of this variant in disease. Therefore, it has been classified as a Variant of Uncertain Significance.

Blueprint Genetics
Classification: Uncertain significance. Last evaluated: 2020-02-21. Review status: criteria provided, single submitter. Criteria: ACMG Guidelines, 2015. Collection method: clinical testing. Allele origin: germline.

Literature cited by the submitters: PubMed 33471991 (cited by Color Diagnostics, LLC DBA Color Health).